The following is an entry in ClinVar:

NM_006269.2(RP1):c.965C>G (p.Ser322Ter)

Gene: RP1 (RP1 axonemal microtubule associated; plus strand). Cytogenetic location: 8q12.1.
Variant type: single nucleotide variant.
Coding change: c.965C>G on transcript NM_006269.2 (MANE Select); coding-DNA position 965, C replaced by G.
Protein change: p.Ser322Ter; replaces serine 322 with a stop codon.
Molecular consequence: nonsense. On other transcripts: intron variant (1).
Genome position (GRCh38, 1-based): chr8:54,624,847, C>G. VCF-style: chr8-54624847-C-G. GRCh37 (hg19) VCF-style: chr8-55537407-C-G.
Other names: c.787+2559C>G (NM_001375654.1); short protein forms S322*.
Identifiers: ClinVar variation 3725200 (VCV003725200.2).

ClinVar aggregate classification (germline): Pathogenic (1 of 4 stars; one submission).

Submission:

Labcorp Genetics (formerly Invitae), Labcorp
Classification: Pathogenic. Last evaluated: 2025-09-02. Review status: criteria provided, single submitter. Criteria: Invitae Variant Classification Sherloc (09022015). Collection method: clinical testing. Allele origin: germline.
Comment: This sequence change creates a premature translational stop signal (p.Ser322*) in the RP1 gene. While this is not anticipated to result in nonsense mediated decay, it is expected to disrupt the last 1835 amino acid(s) of the RP1 protein. This variant is not present in population databases (gnomAD no frequency). This premature translational stop signal has been observed in individual(s) with autosomal recessive RP1-related conditions (PMID: 36819107). ClinVar contains an entry for this variant (Variation ID: 3725200). This variant disrupts the C-terminus of the RP1 protein. Many variants that disrupt this region have been reported in individuals with either autosomal dominant or autosomal recessive retinitis pigmentosa (PMID: 11527933, 19933189, 29425069, 30027431, 33681214). Therefore, variants that disrupt this region are expected to be disease-causing. For these reasons, this variant has been classified as Pathogenic.

Literature cited by the submitters: PubMed 36819107; PubMed 11527933; PubMed 19933189; PubMed 29425069; PubMed 30027431; PubMed 33681214.